The following is an entry in ClinVar:

NM_000256.3(MYBPC3):c.410C>G (p.Ser137Ter)

Gene: MYBPC3 (myosin binding protein C3; minus strand). Cytogenetic location: 11p11.2.
Variant type: single nucleotide variant.
Coding change: c.410C>G on transcript NM_000256.3 (MANE Select); coding-DNA position 410, C replaced by G.
Protein change: p.Ser137Ter; replaces serine 137 with a stop codon.
Molecular consequence: nonsense.
Genome position (GRCh38, 1-based): chr11:47,350,109, G>C on the plus strand (C>G on the coding strand, the complement: MYBPC3 is on the minus strand). VCF-style: chr11-47350109-G-C. GRCh37 (hg19) VCF-style: chr11-47371660-G-C.
Other names: p.S137*:TCA>TGA; c.410C>G, p.Ser137Ter (LRG_386t1); short protein forms S137*.
Identifiers: ClinVar variation 181137 (VCV000181137.8), dbSNP rs730880703, ClinGen allele CA015042.
Genomic context (GRCh38, chr11:47,350,109, plus strand): 5'-AAGAGGCCAATGGGGTCATCGGGGGCTCCAGGGGTAGGACCATTGAGAGCTGCTGAGCTT[G>C]ACCCTGTGAGCAAAGGCTTTTTCTGTTTGTTTGAGATGGAGTCTTGCTCTGTCACCCAGG-3'

ClinVar aggregate classification (germline): Pathogenic. Review status: criteria provided, multiple submitters, no conflicts (2 of 4 stars). 5 submissions from 5 submitters: Pathogenic (5). Last evaluated 2024-02-26.

Conditions:
Cardiovascular phenotype. Identifiers: MedGen CN230736.
Hypertrophic cardiomyopathy 4. Also called: Familial hypertrophic cardiomyopathy 4. Identifiers: MedGen C1861862, MONDO:0007268, OMIM 115197.
Hypertrophic cardiomyopathy. Also called: HYPERTROPHIC MYOCARDIOPATHY. Identifiers: Orphanet 217569, MedGen C0007194, MeSH D002312, MONDO:0005045, HP:0001639.

Submissions (5):

Ambry Genetics
Classification: Pathogenic for Cardiovascular phenotype. Last evaluated: 2024-02-26. Review status: criteria provided, single submitter. Criteria: Ambry Variant Classification Scheme 2023. Collection method: clinical testing. Allele origin: germline.
Comment: The p.S137* pathogenic mutation (also known as c.410C>G), located in coding exon 4 of the MYBPC3 gene, results from a C to G substitution at nucleotide position 410. This changes the amino acid from a serine to a stop codon within coding exon 4. This variant was reported in individuals with features consistent with hypertrophic cardiomyopathy (Wilson KD et al. Circ Res, 2015 Sep;117:603-11; Ho CY et al. Circulation, 2018 Oct;138:1387-1398). This variant is considered to be rare based on population cohorts in the Genome Aggregation Database (gnomAD). This alteration is expected to result in loss of function by premature protein truncation or nonsense-mediated mRNA decay. As such, this alteration is interpreted as a disease-causing mutation.

Labcorp Genetics (formerly Invitae), Labcorp
Classification: Pathogenic for Hypertrophic cardiomyopathy. Last evaluated: 2023-12-05. Review status: criteria provided, single submitter. Criteria: Invitae Variant Classification Sherloc (09022015). Collection method: clinical testing. Allele origin: germline.
Comment: This sequence change creates a premature translational stop signal (p.Ser137*) in the MYBPC3 gene. It is expected to result in an absent or disrupted protein product. Loss-of-function variants in MYBPC3 are known to be pathogenic (PMID: 19574547). This variant is not present in population databases (gnomAD no frequency). This premature translational stop signal has been observed in individual(s) with hypertrophic cardiomyopathy (PMID: 26265630). This variant is also known as p.S137X . ClinVar contains an entry for this variant (Variation ID: 181137). For these reasons, this variant has been classified as Pathogenic.

3billion
Classification: Pathogenic for Hypertrophic cardiomyopathy 4. Last evaluated: 2023-08-01. Review status: criteria provided, single submitter. Criteria: ACMG Guidelines, 2015. Collection method: clinical testing. Allele origin: germline. Affected: yes.
Comment: The variant is not observed in the gnomAD v2.1.1 dataset. Predicted Consequence/Location: Stop-gained (nonsense): predicted to result in a loss or disruption of normal protein function through nonsense-mediated decay (NMD) or protein truncation. Multiple pathogenic variants are reported downstream of the variant. The variant has been reported at least twice as pathogenic without evidence for the classification (ClinVar ID: VCV000181137). Therefore, this variant is classified as Pathogenic according to the recommendation of ACMG/AMP guideline.

GeneDx
Classification: Pathogenic. Last evaluated: 2017-04-07. Review status: criteria provided, single submitter. Criteria: GeneDx Variant Classification (06012015). Collection method: clinical testing. Allele origin: germline. Affected: yes.
Comment: The S137X variant in the MYBPC3 gene has been reported in association with HCM in one individual enrolled in a study that analyzed a next-generation sequencing assay for inherited heart diseases; additional clinical information and segregation data was not provided (Wilson et al., 2015). The S137X pathogenic variant is predicted to cause loss of normal protein function either by protein truncation or nonsense-mediated mRNA decay. Other nonsense variants in the MYBPC3 gene have been reported in HGMD in association with HCM (Stenson et al., 2014). Furthermore, S137X was not observed in approximately 6,100 individuals of European and African American ancestry in the NHLBI Exome Sequencing Project, indicating it is not a common benign variant in these populations.In summary, S137X in the MYBPC3 gene is interpreted as a pathogenic variant.

Stanford Center for Inherited Cardiovascular Disease, Stanford University
Classification: Pathogenic. Last evaluated: 2011-10-10. Review status: criteria provided, single submitter. Criteria: ACMG Guidelines, 2015. Collection method: provider interpretation. Allele origin: germline.

Literature cited by the submitters: PubMed 26265630 (cited by Ambry Genetics and Labcorp Genetics (formerly Invitae), Labcorp); PubMed 30297972 (cited by Ambry Genetics); PubMed 19574547 (cited by Labcorp Genetics (formerly Invitae), Labcorp).